The following is an entry in ClinVar:

ClinVar aggregate classification (germline): Likely benign. Review status: criteria provided, multiple submitters, no conflicts (2 of 4 stars). 3 submissions from 3 submitters: Likely benign (3). Last evaluated 2026-09-01.

Conditions:
3-hydroxyisobutyryl-CoA hydrolase deficiency. Also called: HIBCH DEFICIENCY; METHACRYLIC ACID TOXICITY; METHACRYLIC ACIDURIA; VALINE METABOLIC DEFECT; Reduced circulating 3-hydroxyisobutyryl-CoA hydrolase activity; Deficiency of 3-hydroxyisobutyryl CoA hydrolase. Identifiers: Orphanet 88639, MedGen C0342738, MONDO:0009603, OMIM 250620, HP:6000215.

Allele frequency attached by ClinVar (database versions not stated): ExAC 0.00002; gnomAD exomes 0.00004 and 0.00008; gnomAD 0.00005 and 0.00006; TOPMed 0.00005; ESP Exome Variant Server 0.00008.
gnomAD v4.1: 130 of 1,601,716 alleles (0.0081%); highest among the groups gnomAD compares: Non-Finnish European, 0.0097%; no homozygotes.

Submissions (3):

CeGaT Center for Human Genetics Tuebingen
Classification: Likely benign. Last evaluated: 2026-09-01. Review status: criteria provided, single submitter. Criteria: CeGaT Center For Human Genetics Tuebingen Variant Classification Criteria Version 2. Collection method: clinical testing. Allele origin: germline. Affected: yes. Observed: 1 variant allele.
Comment: HIBCH: BP4, BP7

Labcorp Genetics (formerly Invitae), Labcorp
Classification: Likely benign for 3-hydroxyisobutyryl-CoA hydrolase deficiency. Last evaluated: 2025-11-17. Review status: criteria provided, single submitter. Criteria: Invitae Variant Classification Sherloc (09022015). Collection method: clinical testing. Allele origin: germline.

Blueprint Genetics
Classification: Likely benign. Last evaluated: 2024-02-21. Review status: criteria provided, single submitter. Criteria: ACMG Guidelines, 2015. Collection method: clinical testing. Allele origin: germline.

NM_014362.4(HIBCH):c.312G>A (p.Ser104=)

Gene: HIBCH (3-hydroxyisobutyryl-CoA hydrolase; minus strand). Cytogenetic location: 2q32.2.
Variant type: single nucleotide variant.
Coding change: c.312G>A on transcript NM_014362.4 (MANE Select); coding-DNA position 312, G replaced by A.
Protein change: p.Ser104=; no amino-acid change (serine 104 retained).
Molecular consequence: synonymous variant.
Genome position (GRCh38, 1-based): chr2:190,290,478, C>T on the plus strand (G>A on the coding strand, the complement: HIBCH is on the minus strand). VCF-style: chr2-190290478-C-T. GRCh37 (hg19) VCF-style: chr2-191155204-C-T.
Other names: c.312G>A, p.Ser104= (NM_198047.3).
Identifiers: ClinVar variation 1606408 (VCV001606408.10), dbSNP rs201502204, ClinGen allele CA2027684.